The following is an entry in ClinVar:

ClinVar aggregate classification (germline): Likely benign (0 of 4 stars; one submission).

Conditions:
PDE1A-related disorder. Also called: PDE1A-related condition.

Allele frequency attached by ClinVar (database versions not stated): ESP Exome Variant Server 0.00023; gnomAD 0.00025; ExAC 0.00034; TOPMed 0.00037; 1000 Genomes Project 0.00140; 1000 Genomes Project 30x 0.00172; gnomAD exomes 0.00015.
gnomAD v4.1: 247 of 1,510,714 alleles (0.016%); highest among the groups gnomAD compares: Admixed American, 0.31%; 2 homozygotes.

Submission:

PreventionGenetics, part of Exact Sciences
Classification: Likely benign for PDE1A-related condition. Last evaluated: 2022-12-13. Review status: no assertion criteria provided. Collection method: clinical testing. Allele origin: germline.
Comment: This variant is classified as likely benign based on ACMG/AMP sequence variant interpretation guidelines (Richards et al. 2015 PMID: 25741868, with internal and published modifications).

NM_001363871.4(PDE1A):c.527G>A (p.Arg176His)

Gene: PDE1A (phosphodiesterase 1A; minus strand). Cytogenetic location: 2q32.1.
Variant type: single nucleotide variant.
Coding change: c.527G>A on transcript NM_001363871.4 (MANE Select); coding-DNA position 527, G replaced by A.
Protein change: p.Arg176His; replaces arginine 176 with histidine.
Molecular consequence: missense variant.
Genome position (GRCh38, 1-based): chr2:182,231,022, C>T on the plus strand (G>A on the coding strand, the complement: PDE1A is on the minus strand). VCF-style: chr2-182231022-C-T. GRCh37 (hg19) VCF-style: chr2-183095749-C-T.
Other names: c.575G>A, p.Arg192His (NM_001003683.3, NM_001395258.2, NM_001395259.2 and 7 more transcripts); c.587G>A, p.Arg196His (NM_001258312.3); c.527G>A, p.Arg176His (NM_001258313.3, NM_001395264.1, NM_001395268.1); c.473G>A, p.Arg158His (NM_001258314.3, NM_001395269.1); c.263G>A, p.Arg88His (NM_001395265.2); short protein forms R158H, R176H, R192H, R196H, R88H.
Identifiers: ClinVar variation 3033294 (VCV003033294.2), dbSNP rs199972789, ClinGen allele CA2012770.